The following is an entry in ClinVar:

ClinVar aggregate classification (germline): Pathogenic (1 of 4 stars; one submission).

Conditions:
Hereditary spastic paraplegia 11. Also called: Spastic paraplegia, mental retardation and thin corpus callosum; Nakamura Osame syndrome; Autosomal recessive hereditary spastic paraplegia, mental impairment, and thin corpus callosum; SPASTIC PARAPLEGIA, AUTOSOMAL RECESSIVE, COMPLICATED, WITH THIN CORPUS CALLOSUM; SPASTIC PARAPLEGIA, AUTOSOMAL RECESSIVE, WITH MENTAL IMPAIRMENT AND THIN CORPUS CALLOSUM; Spastic Paraplegia 11. Identifiers: Orphanet 2822, MedGen C1858479, MONDO:0011445, OMIM 604360.

Submission:

Labcorp Genetics (formerly Invitae), Labcorp
Classification: Pathogenic for Hereditary spastic paraplegia 11. Last evaluated: 2023-02-11. Review status: criteria provided, single submitter. Criteria: Invitae Variant Classification Sherloc (09022015). Collection method: clinical testing. Allele origin: germline.
Comment: For these reasons, this variant has been classified as Pathogenic. This variant has not been reported in the literature in individuals affected with SPG11-related conditions. This sequence change creates a premature translational stop signal (p.Gln1936*) in the SPG11 gene. It is expected to result in an absent or disrupted protein product. Loss-of-function variants in SPG11 are known to be pathogenic (PMID: 19105190, 20110243, 22154821, 26556829). This variant is not present in population databases (gnomAD no frequency).

Literature cited by the submitters: PubMed 19105190; PubMed 20110243; PubMed 22154821; PubMed 26556829.

NM_025137.4(SPG11):c.5806C>T (p.Gln1936Ter)

Gene: SPG11 (SPG11 vesicle trafficking associated, spatacsin; minus strand). Cytogenetic location: 15q21.1.
Variant type: single nucleotide variant.
Coding change: c.5806C>T on transcript NM_025137.4 (MANE Select); coding-DNA position 5806, C replaced by T.
Protein change: p.Gln1936Ter; replaces glutamine 1936 with a stop codon.
Molecular consequence: nonsense.
Genome position (GRCh38, 1-based): chr15:44,583,874, G>A on the plus strand (C>T on the coding strand, the complement: SPG11 is on the minus strand). VCF-style: chr15-44583874-G-A. GRCh37 (hg19) VCF-style: chr15-44876072-G-A.
Other names: c.5806C>T, p.Gln1936Ter (NM_001160227.2); c.5662C>T, p.Gln1888Ter (NM_001411132.1); short protein forms Q1888*, Q1936*.
Identifiers: ClinVar variation 2987054 (VCV002987054.3), dbSNP rs2505289475, ClinGen allele CA392221095.
Genomic context (GRCh38, chr15:44,583,874, plus strand): 5'-TGCTGTGGACTCTCCTTAGGGGAATGTCGGGTGCTTCTTCCTCAAGCAGCTCAGCACTTT[G>A]TAGGAGAGCATGGATCTCTGGGTGCAGATCCTCCATACTAGCTTCCCCTGAGGCCAGTGC-3'